The following is an entry in ClinVar:

NM_020806.5(GPHN):c.1004C>A (p.Ala335Asp)

Gene: GPHN (gephyrin; plus strand). Cytogenetic location: 14q23.3.
Variant type: single nucleotide variant.
Coding change: c.1004C>A on transcript NM_020806.5 (MANE Select); coding-DNA position 1004, C replaced by A.
Protein change: p.Ala335Asp; replaces alanine 335 with aspartic acid.
Molecular consequence: missense variant.
Genome position (GRCh38, 1-based): chr14:67,023,673, C>A. VCF-style: chr14-67023673-C-A. GRCh37 (hg19) VCF-style: chr14-67490390-C-A.
Other names: c.905C>A, p.Ala302Asp (NM_001024218.2); c.1064C>A, p.Ala355Asp (NM_001377514.1); c.1034C>A, p.Ala345Asp (NM_001377515.1); c.1025C>A, p.Ala342Asp (NM_001377516.1); c.977C>A, p.Ala326Asp (NM_001377517.1); c.962C>A, p.Ala321Asp (NM_001377518.1); c.944C>A, p.Ala315Asp (NM_001377519.1); short protein forms A335D, A302D, A315D, A321D, A326D, A342D, A345D, A355D.
Identifiers: ClinVar variation 534550 (VCV000534550.7), dbSNP rs1555466432, ClinGen allele CA390257131.

ClinVar aggregate classification (germline): Uncertain significance (1 of 4 stars; one submission).

Conditions:
Sulfite oxidase deficiency due to molybdenum cofactor deficiency type C. Also called: Molybdenum cofactor deficiency, complementation group C; Molybdenum cofactor deficiency C. Identifiers: Orphanet 308400, Orphanet 833, MedGen C1854990, MONDO:0014212, OMIM 615501.

Allele frequency attached by ClinVar (database versions not stated): gnomAD exomes below 0.00001.
gnomAD v4.1: 1 of 1,611,344 alleles (0.000062%); highest among the groups gnomAD compares: Non-Finnish European, 0.000085%; no homozygotes.

Submission:

Labcorp Genetics (formerly Invitae), Labcorp
Classification: Uncertain significance for Sulfite oxidase deficiency due to molybdenum cofactor deficiency type C. Last evaluated: 2024-03-30. Review status: criteria provided, single submitter. Criteria: Invitae Variant Classification Sherloc (09022015). Collection method: clinical testing. Allele origin: germline.
Comment: This sequence change replaces alanine, which is neutral and non-polar, with aspartic acid, which is acidic and polar, at codon 335 of the GPHN protein (p.Ala335Asp). This variant is not present in population databases (gnomAD no frequency). This variant has not been reported in the literature in individuals affected with GPHN-related conditions. ClinVar contains an entry for this variant (Variation ID: 534550). An algorithm developed to predict the effect of missense changes on protein structure and function (PolyPhen-2) suggests that this variant is likely to be tolerated. In summary, the available evidence is currently insufficient to determine the role of this variant in disease. Therefore, it has been classified as a Variant of Uncertain Significance.